The following is an entry in ClinVar:

NM_001042492.3(NF1):c.4100G>A (p.Cys1367Tyr)

Gene: NF1 (neurofibromin 1; plus strand). Cytogenetic location: 17q11.2.
Variant type: single nucleotide variant.
Coding change: c.4100G>A on transcript NM_001042492.3 (MANE Select); coding-DNA position 4100, G replaced by A.
Protein change: p.Cys1367Tyr; replaces cysteine 1367 with tyrosine.
Molecular consequence: missense variant.
Genome position (GRCh38, 1-based): chr17:31,249,109, G>A. VCF-style: chr17-31249109-G-A. GRCh37 (hg19) VCF-style: chr17-29576127-G-A.
Other names: c.4100G>A, p.Cys1367Tyr (NM_000267.4); short protein forms C1367Y.
Identifiers: ClinVar variation 1505750 (VCV001505750.9), dbSNP rs2151451650, ClinGen allele CA398995084.
Genomic context (GRCh38, chr17:31,249,109, plus strand): 5'-TCCATGCCATCATCAGTTCCTCCTCAGAATTCCCCCCTCAACTTCGAAGTGTGTGCCACT[G>A]TTTATACCAGGTATGCTTACAGTTAGAGATTACCATTATTAATCTAAAGTTAAATTATGA-3'
Protein context (NP_001035957.1, residues 1357-1377): FPPQLRSVCH[Cys1367Tyr]LYQATCHSLL

ClinVar aggregate classification (germline): Uncertain significance. Review status: criteria provided, multiple submitters, no conflicts (2 of 4 stars). 2 submissions from 2 submitters: Uncertain significance (2). Last evaluated 2025-04-08.

Conditions:
Hereditary cancer-predisposing syndrome. Also called: Tumor predisposition; Hereditary neoplastic syndrome; Neoplastic Syndromes, Hereditary; Hereditary Cancer Syndrome. Identifiers: Orphanet 140162, MedGen C0027672, MeSH D009386, MONDO:0015356.
Cardiovascular phenotype. Identifiers: MedGen CN230736.
Neurofibromatosis, type 1 (NF1). Also called: VON RECKLINGHAUSEN DISEASE; NEUROFIBROMATOSIS, TYPE I, SOMATIC; Peripheral type neurofibromatosis; Neurofibromatosis, type I. Identifiers: Orphanet 636, MedGen C0027831, MONDO:0018975, OMIM 162200. Disease mechanism: loss of function.

Submissions (2):

Ambry Genetics
Classification: Uncertain significance for Cardiovascular phenotype; Hereditary cancer-predisposing syndrome. Last evaluated: 2025-04-08. Review status: criteria provided, single submitter. Criteria: Ambry Variant Classification Scheme 2023. Collection method: clinical testing. Allele origin: germline.
Comment: The p.C1367Y variant (also known as c.4100G>A), located in coding exon 30 of the NF1 gene, results from a G to A substitution at nucleotide position 4100. The cysteine at codon 1367 is replaced by tyrosine, an amino acid with highly dissimilar properties. This amino acid position is highly conserved in available vertebrate species. In addition, this alteration is predicted to be deleterious by in silico analysis. Based on the available evidence, the clinical significance of this variant remains unclear.

Labcorp Genetics (formerly Invitae), Labcorp
Classification: Uncertain significance for Neurofibromatosis, type 1. Last evaluated: 2021-07-16. Review status: criteria provided, single submitter. Criteria: Invitae Variant Classification Sherloc (09022015). Collection method: clinical testing. Allele origin: germline.
Comment: In summary, the available evidence is currently insufficient to determine the role of this variant in disease. Therefore, it has been classified as a Variant of Uncertain Significance. Advanced modeling of protein sequence and biophysical properties (such as structural, functional, and spatial information, amino acid conservation, physicochemical variation, residue mobility, and thermodynamic stability) performed at Invitae indicates that this missense variant is expected to disrupt NF1 protein function. This variant has not been reported in the literature in individuals affected with NF1-related conditions. This variant is not present in population databases (ExAC no frequency). This sequence change replaces cysteine with tyrosine at codon 1367 of the NF1 protein (p.Cys1367Tyr). The cysteine residue is moderately conserved and there is a large physicochemical difference between cysteine and tyrosine.